The following is an entry in ClinVar:

NM_004714.3(DYRK1B):c.1652G>A (p.Arg551His)

Gene: DYRK1B (dual specificity tyrosine phosphorylation regulated kinase 1B; minus strand). Cytogenetic location: 19q13.2.
Variant type: single nucleotide variant.
Coding change: c.1652G>A on transcript NM_004714.3 (MANE Select); coding-DNA position 1652, G replaced by A.
Protein change: p.Arg551His; replaces arginine 551 with histidine.
Molecular consequence: missense variant.
Genome position (GRCh38, 1-based): chr19:39,825,953, C>T on the plus strand (G>A on the coding strand, the complement: DYRK1B is on the minus strand). VCF-style: chr19-39825953-C-T. GRCh37 (hg19) VCF-style: chr19-40316593-C-T.
Other names: c.1532G>A, p.Arg511His (NM_006483.3); c.1568G>A, p.Arg523His (NM_006484.3); short protein forms R511H, R523H, R551H.
Identifiers: ClinVar variation 3356807 (VCV003356807.2).

ClinVar aggregate classification (germline): Uncertain significance (1 of 4 stars; one submission).

Conditions:
DYRK1B-related disorder. Also called: DYRK1B-related condition.

Submission:

PreventionGenetics, part of Exact Sciences
Classification: Uncertain significance for DYRK1B-related condition. Last evaluated: 2025-12-18. Review status: criteria provided, single submitter. Criteria: ACMG Guidelines, 2015. Collection method: clinical testing. Allele origin: germline.
Comment: The DYRK1B c.1652G>A variant is predicted to result in the amino acid substitution p.Arg551His. To our knowledge, this variant has not been reported in the literature or in a large population database, indicating this variant is rare. At this time, the clinical significance of this variant is uncertain due to the absence of conclusive functional and genetic evidence.